The following is an entry in ClinVar:

ClinVar aggregate classification (germline): Likely benign. Review status: criteria provided, multiple submitters, no conflicts (2 of 4 stars). 2 submissions from 2 submitters: Likely benign (2). Last evaluated 2022-11-01.

Allele frequency attached by ClinVar (database versions not stated): TOPMed below 0.00001; gnomAD 0.00001; gnomAD exomes 0.00001.
gnomAD v4.1: 11 of 1,613,540 alleles (0.00068%); highest among the groups gnomAD compares: Non-Finnish European, 0.00093%; no homozygotes.

Submissions (2):

CeGaT Center for Human Genetics Tuebingen
Classification: Likely benign. Last evaluated: 2022-11-01. Review status: criteria provided, single submitter. Criteria: CeGaT Center For Human Genetics Tuebingen Variant Classification Criteria Version 2. Collection method: clinical testing. Allele origin: germline. Affected: yes. Observed: 1 variant allele.
Comment: DAAM1: BP4, BP7

Labcorp Genetics (formerly Invitae), Labcorp
Classification: Likely benign. Last evaluated: 2019-12-31. Review status: criteria provided, single submitter. Criteria: Invitae Variant Classification Sherloc (09022015). Collection method: clinical testing. Allele origin: germline.

NM_001270520.2(DAAM1):c.2037T>C (p.Asp679=)

Gene: DAAM1 (dishevelled associated activator of morphogenesis 1; plus strand). Cytogenetic location: 14q23.1.
Variant type: single nucleotide variant.
Coding change: c.2037T>C on transcript NM_001270520.2 (MANE Select); coding-DNA position 2037, T replaced by C.
Protein change: p.Asp679=; no amino-acid change (aspartic acid 679 retained).
Molecular consequence: synonymous variant.
Genome position (GRCh38, 1-based): chr14:59,340,142, T>C. VCF-style: chr14-59340142-T-C. GRCh37 (hg19) VCF-style: chr14-59806860-T-C.
Other names: c.2067T>C, p.Asp689= (NM_014992.2).
Identifiers: ClinVar variation 797758 (VCV000797758.28), dbSNP rs1366796835, ClinGen allele CA486545095.
Genomic context (GRCh38, chr14:59,340,142, plus strand): 5'-AGATGCCATTGATGACACTCTGAGTTCCAAACTTAAAGTTAAAGAGCTTTCGGTGATTGA[T>C]GGTCGGAGAGCTCAGAATTGCAACATCCTTCTATCGAGGTATTGTTGATGTTGAATAAAC-3'
Protein context (NP_001257449.1, residues 669-689): KLKVKELSVI[Asp679=]GRRAQNCNIL